The following is an entry in ClinVar:

NM_022042.4(SLC26A1):c.963C>T (p.Gly321=)

Genes: IDUA (alpha-L-iduronidase; plus strand), SLC26A1 (solute carrier family 26 member 1; minus strand). Cytogenetic location: 4p16.3.
Variant type: single nucleotide variant.
Coding change: c.963C>T on transcript NM_022042.4 (MANE Select); coding-DNA position 963, C replaced by T.
Protein change: p.Gly321=; no amino-acid change (glycine 321 retained).
Molecular consequence: synonymous variant. On other transcripts: intron variant (2).
Genome position (GRCh38, 1-based): chr4:989,976, G>A on the plus strand (C>T on the coding strand, the complement: SLC26A1 is on the minus strand). VCF-style: chr4-989976-G-A. GRCh37 (hg19) VCF-style: chr4-983764-G-A.
Other names: c.963C>T, p.Gly321= (NM_213613.4); c.576+1152C>T (NM_134425.4); c.299+2027G>A (NM_000203.5); c.963C>T (NM_022042.3).
Identifiers: ClinVar variation 1413142 (VCV001413142.9), dbSNP rs138492048, ClinGen allele CA2801493.

ClinVar aggregate classification (germline): Likely benign. Review status: criteria provided, multiple submitters, no conflicts (2 of 4 stars). 2 submissions from 2 submitters: Likely benign (2). Last evaluated 2025-11-24.

Conditions:
SLC26A1-related disorder. Also called: SLC26A1-related condition.

Allele frequency attached by ClinVar (database versions not stated): gnomAD exomes 0.00014 and 0.00037; 1000 Genomes Project 30x 0.00016; 1000 Genomes Project 0.00020; TOPMed 0.00021; ESP Exome Variant Server 0.00023; gnomAD 0.00023 and 0.00024; ExAC 0.00024.
gnomAD v4.1: 539 of 1,556,958 alleles (0.035%); highest among the groups gnomAD compares: Non-Finnish European, 0.041%; 1 homozygote.

Submissions (2):

Labcorp Genetics (formerly Invitae), Labcorp
Classification: Likely benign. Last evaluated: 2025-11-24. Review status: criteria provided, single submitter. Criteria: Invitae Variant Classification Sherloc (09022015). Collection method: clinical testing. Allele origin: germline.

PreventionGenetics, part of Exact Sciences
Classification: Likely benign for SLC26A1-related condition. Last evaluated: 2025-08-05. Review status: criteria provided, single submitter. Criteria: ACMG Guidelines, 2015. Collection method: clinical testing. Allele origin: germline.
Comment: This variant is classified as likely benign based on ACMG/AMP sequence variant interpretation guidelines (Richards et al. 2015 PMID: 25741868, with internal and published modifications).